The following is an entry in ClinVar:

ClinVar aggregate classification (germline): Uncertain significance (1 of 4 stars; one submission).

Submission:

GeneDx
Classification: Uncertain significance. Last evaluated: 2026-03-27. Review status: criteria provided, single submitter. Criteria: GeneDx Variant Classification Process June 2021. Collection method: clinical testing. Allele origin: germline.
Comment: Not observed at significant frequency in large population cohorts (gnomAD); In silico analysis supports that this missense variant has a deleterious effect on protein structure/function; Has not been previously published as pathogenic or benign to our knowledge; Also known as p.(D2500Y)

NM_000384.3(APOB):c.7579G>T (p.Asp2527Tyr)

Gene: APOB (apolipoprotein B; minus strand). Cytogenetic location: 2p24.1.
Variant type: single nucleotide variant.
Coding change: c.7579G>T on transcript NM_000384.3 (MANE Select); coding-DNA position 7579, G replaced by T.
Protein change: p.Asp2527Tyr; replaces aspartic acid 2527 with tyrosine.
Molecular consequence: missense variant.
Genome position (GRCh38, 1-based): chr2:21,009,289, C>A on the plus strand (G>T on the coding strand, the complement: APOB is on the minus strand). VCF-style: chr2-21009289-C-A. GRCh37 (hg19) VCF-style: chr2-21232161-C-A.
Other names: short protein forms D2527Y.
Identifiers: ClinVar variation 5017458 (VCV005017458.1).